The following is an entry in ClinVar:

ClinVar aggregate classification (germline): Likely benign. Review status: criteria provided, multiple submitters, no conflicts (2 of 4 stars). 5 submissions from 5 submitters: Likely benign (5). Last evaluated 2026-03-01.

Conditions:
Progressive microcephaly-seizures-cortical blindness-developmental delay syndrome. Also called: Seizures, cortical blindness, and microcephaly syndrome. Identifiers: Orphanet 477814, MedGen C5567650, MONDO:0014714, OMIM 616632.
Autosomal dominant nonsyndromic hearing loss 1. Also called: KONIGSMARK SYNDROME; DEAFNESS, AUTOSOMAL DOMINANT 1, WITH OR WITHOUT THROMBOCYTOPENIA. Identifiers: Orphanet 90635, MedGen C1852282, MONDO:0007424, OMIM 124900.

Allele frequency attached by ClinVar (database versions not stated): gnomAD 0.00005.

Submissions (6):

CeGaT Center for Human Genetics Tuebingen
Classification: Likely benign. Last evaluated: 2026-03-01. Review status: criteria provided, single submitter. Criteria: CeGaT Center For Human Genetics Tuebingen Variant Classification Criteria Version 2. Collection method: clinical testing. Allele origin: germline. Affected: yes. Observed: 2 variant alleles.
Comment: DIAPH1: BP4, BP7

Labcorp Genetics (formerly Invitae), Labcorp
Classification: Likely benign for Progressive microcephaly-seizures-cortical blindness-developmental delay syndrome; Autosomal dominant nonsyndromic hearing loss 1. Last evaluated: 2025-07-31. Review status: criteria provided, single submitter. Criteria: Invitae Variant Classification Sherloc (09022015). Collection method: clinical testing. Allele origin: germline.

Blueprint Genetics
Classification: Likely benign. Last evaluated: 2024-05-29. Review status: criteria provided, single submitter. Criteria: ACMG Guidelines, 2015. Collection method: clinical testing. Allele origin: germline.

GeneDx
Classification: Likely benign. Last evaluated: 2019-08-23. Review status: criteria provided, single submitter. Criteria: GeneDx Variant Classification Process June 2021. Collection method: clinical testing. Allele origin: germline. Affected: yes.

Laboratory for Molecular Medicine, Mass General Brigham Personalized Medicine
Classification: Likely benign. Last evaluated: 2018-11-04. Review status: criteria provided, single submitter. Criteria: LMM Criteria. Collection method: clinical testing. Allele origin: germline. Observed: 1 variant allele.
Comment: The p.Pro618Pro variant in DIAPH1 is classified as likely benign because it does not alter an amino acid residue, it is not located within the splice consensus sequence, and splice prediction algorithms do not predict a newly created splice site. ACMG/AMP Criteria applied: BP4, BP7.

Dr. Peter K. Rogan Lab, Western University
No classification provided (evidence only). Condition: Uterine corpus endometrial carcinoma. Review status: no classification provided. Collection method: in vitro. Allele origin: not applicable. Functional consequence: retained intron. Not counted in ClinVar's aggregate classification.

NM_005219.5(DIAPH1):c.1854A>T (p.Pro618=)

Gene: DIAPH1 (diaphanous related formin 1; minus strand). Cytogenetic location: 5q31.3.
Variant type: single nucleotide variant.
Coding change: c.1854A>T on transcript NM_005219.5 (MANE Select); coding-DNA position 1854, A replaced by T.
Protein change: p.Pro618=; no amino-acid change (proline 618 retained).
Molecular consequence: synonymous variant.
Genome position (GRCh38, 1-based): chr5:141,573,996, T>A on the plus strand (A>T on the coding strand, the complement: DIAPH1 is on the minus strand). VCF-style: chr5-141573996-T-A. GRCh37 (hg19) VCF-style: chr5-140953563-T-A.
Other names: c.1827A>T, p.Pro609= (NM_001079812.3); c.1854A>T, p.Pro618= (NM_001314007.2).
Identifiers: ClinVar variation 667104 (VCV000667104.41), dbSNP rs374236039, ClinGen allele CA128437265.